The following is an entry in ClinVar:

NM_176819.4(DIPK2B):c.1020C>T (p.Ser340=)

Gene: DIPK2B (divergent protein kinase domain 2B; minus strand). Cytogenetic location: Xp11.3.
Variant type: single nucleotide variant.
Coding change: c.1020C>T on transcript NM_176819.4 (MANE Select); coding-DNA position 1020, C replaced by T.
Protein change: p.Ser340=; no amino-acid change (serine 340 retained).
Molecular consequence: synonymous variant.
Genome position (GRCh38, 1-based): chrX:45,151,934, G>A on the plus strand (C>T on the coding strand, the complement: DIPK2B is on the minus strand). VCF-style: chrX-45151934-G-A. GRCh37 (hg19) VCF-style: chrX-45011179-G-A.
Identifiers: ClinVar variation 3049454 (VCV003049454.2), dbSNP rs752948825, ClinGen allele CA10392878.

ClinVar aggregate classification (germline): Likely benign (0 of 4 stars; one submission).

Conditions:
DIPK2B-related disorder. Also called: DIPK2B-related condition.

Allele frequency attached by ClinVar (database versions not stated): gnomAD exomes 0.00004; ExAC 0.00005; TOPMed 0.00006; gnomAD 0.00010.
gnomAD v4.1: 51 of 1,199,147 alleles (0.0043%); highest among the groups gnomAD compares: Middle Eastern, 0.046%; no homozygotes.

Submission:

PreventionGenetics, part of Exact Sciences
Classification: Likely benign for DIPK2B-related condition. Last evaluated: 2019-07-23. Review status: no assertion criteria provided. Collection method: clinical testing. Allele origin: germline.
Comment: This variant is classified as likely benign based on ACMG/AMP sequence variant interpretation guidelines (Richards et al. 2015 PMID: 25741868, with internal and published modifications).